The following is an entry in ClinVar:

ClinVar aggregate classification (germline): Uncertain significance. Review status: criteria provided, multiple submitters, no conflicts (2 of 4 stars). 2 submissions from 2 submitters: Uncertain significance (2). Last evaluated 2025-05-12.

Allele frequency attached by ClinVar (database versions not stated): gnomAD exomes below 0.00001; gnomAD 0.00001; TOPMed 0.00002.
gnomAD v4.1: 8 of 1,614,110 alleles (0.0005%); highest among the groups gnomAD compares: African/African-American, 0.0013%; no homozygotes.

Submissions (2):

GeneDx
Classification: Uncertain significance. Last evaluated: 2025-05-12. Review status: criteria provided, single submitter. Criteria: GeneDx Variant Classification Process June 2021. Collection method: clinical testing. Allele origin: germline. Affected: yes.
Comment: Has not been previously published as pathogenic or benign to our knowledge; Not observed at significant frequency in large population cohorts (gnomAD); In silico analysis suggests that this missense variant does not alter protein structure/function

Ambry Genetics
Classification: Uncertain significance. Last evaluated: 2022-05-04. Review status: criteria provided, single submitter. Criteria: Ambry Variant Classification Scheme 2023. Collection method: clinical testing. Allele origin: germline.

NM_005548.3(KARS1):c.1585A>G (p.Ile529Val)

Gene: KARS1 (lysyl-tRNA synthetase 1; minus strand). Cytogenetic location: 16q23.1.
Variant type: single nucleotide variant.
Coding change: c.1585A>G on transcript NM_005548.3 (MANE Select); coding-DNA position 1585, A replaced by G.
Protein change: p.Ile529Val; replaces isoleucine 529 with valine.
Molecular consequence: missense variant.
Genome position (GRCh38, 1-based): chr16:75,628,679, T>C on the plus strand (A>G on the coding strand, the complement: KARS1 is on the minus strand). VCF-style: chr16-75628679-T-C. GRCh37 (hg19) VCF-style: chr16-75662577-T-C.
Other names: c.1669A>G, p.Ile557Val (NM_001130089.2); c.1117A>G, p.Ile373Val (NM_001378148.1); short protein forms I373V, I529V, I557V.
Identifiers: ClinVar variation 1696996 (VCV001696996.4), dbSNP rs1423647422, ClinGen allele CA396809809.